The following is an entry in ClinVar:

NM_000017.4(ACADS):c.221_222insCCAT (p.Met74fs)

Gene: ACADS (acyl-CoA dehydrogenase short chain; plus strand). Cytogenetic location: 12q24.31.
Variant type: Insertion.
Coding change: c.221_222insCCAT on transcript NM_000017.4 (MANE Select); coding-DNA positions 221 to 222, CCAT inserted.
Protein change: p.Met74fs; shifts the reading frame from methionine 74.
Molecular consequence: frameshift variant.
Genome position: GRCh38 VCF-style: chr12-120736994-G-GATCC. GRCh37 (hg19) VCF-style: chr12-121174797-G-GATCC.
Other names: c.221_222insCCAT (NM_000017.2); c.221_222insCCAT, p.Met74fs (NM_001302554.2); short protein forms M74fs.
Identifiers: ClinVar variation 938913 (VCV000938913.9), dbSNP rs1317080057, ClinGen allele CA607880674.
Genomic context (GRCh38, chr12:120,736,994, plus strand): 5'-TGGGCTCGCCCCCGGCAGCTGCCCATGGCGTGCCGTCCTTCCCTGTGCCCAGGTGAAGAA[G>GATCC]ATGGGCGGGCTTGGGCTTCTGGCCATGGACGTGCCCGAGGAGCTTGGCGGTGCTGGCCTC-3'

ClinVar aggregate classification (germline): Pathogenic/Likely pathogenic. Review status: criteria provided, multiple submitters, no conflicts (2 of 4 stars). 3 submissions from 3 submitters: Pathogenic (2); Likely pathogenic (1). Last evaluated 2024-09-17.

Conditions:
Deficiency of butyryl-CoA dehydrogenase (ACADSD). Also called: SCADH DEFICIENCY; ACADS DEFICIENCY; SCAD DEFICIENCY, MILD; ACYL-CoA DEHYDROGENASE, SHORT-CHAIN, DEFICIENCY OF; SCAD Deficiency; Short-Chain Acyl-CoA Dehydrogenase Deficiency. Identifiers: Orphanet 26792, MedGen C0342783, MONDO:0008722, OMIM 201470. Disease mechanism: May be benign.

Submissions (3):

GeneDx
Classification: Pathogenic. Last evaluated: 2024-09-17. Review status: criteria provided, single submitter. Criteria: GeneDx Variant Classification Process June 2021. Collection method: clinical testing. Allele origin: germline. Affected: yes.
Comment: Frameshift variant predicted to result in protein truncation or nonsense mediated decay in a gene for which loss of function is a known mechanism of disease; Not observed at significant frequency in large population cohorts (gnomAD); Has not been previously published as pathogenic or benign to our knowledge

Fulgent Genetics
Classification: Likely pathogenic for Deficiency of butyryl-CoA dehydrogenase. Last evaluated: 2024-05-06. Review status: criteria provided, single submitter. Criteria: ACMG Guidelines, 2015. Collection method: clinical testing. Allele origin: germline.

Labcorp Genetics (formerly Invitae), Labcorp
Classification: Pathogenic for Deficiency of butyryl-CoA dehydrogenase. Last evaluated: 2022-07-11. Review status: criteria provided, single submitter. Criteria: Invitae Variant Classification Sherloc (09022015). Collection method: clinical testing. Allele origin: germline.
Comment: This sequence change creates a premature translational stop signal (p.Met74Ilefs*75) in the ACADS gene. It is expected to result in an absent or disrupted protein product. Loss-of-function variants in ACADS are known to be pathogenic (PMID: 12736383, 18523805). This variant is present in population databases (no rsID available, gnomAD 0.01%). This variant has not been reported in the literature in individuals affected with ACADS-related conditions. ClinVar contains an entry for this variant (Variation ID: 938913). For these reasons, this variant has been classified as Pathogenic.

Literature cited by the submitters: PubMed 12736383 (cited by Labcorp Genetics (formerly Invitae), Labcorp); PubMed 18523805 (cited by Labcorp Genetics (formerly Invitae), Labcorp).